The following is an entry in ClinVar:

NM_025009.5(CEP135):c.1766G>C (p.Arg589Thr)

Gene: CEP135 (centrosomal protein 135; plus strand). Cytogenetic location: 4q12.
Variant type: single nucleotide variant.
Coding change: c.1766G>C on transcript NM_025009.5 (MANE Select); coding-DNA position 1766, G replaced by C.
Protein change: p.Arg589Thr; replaces arginine 589 with threonine.
Molecular consequence: missense variant.
Genome position (GRCh38, 1-based): chr4:55,981,366, G>C. VCF-style: chr4-55981366-G-C. GRCh37 (hg19) VCF-style: chr4-56847532-G-C.
Other names: c.1766G>C (NM_025009.3, NM_025009.4); short protein forms R589T.
Identifiers: ClinVar variation 2084296 (VCV002084296.6), dbSNP rs146424747, ClinGen allele CA96961158.

ClinVar aggregate classification (germline): Uncertain significance. Review status: criteria provided, multiple submitters, no conflicts (2 of 4 stars). 3 submissions from 3 submitters: Uncertain significance (3). Last evaluated 2024-05-08.

Conditions:
Inborn genetic diseases. Identifiers: MedGen C0950123, MeSH D030342.

Allele frequency attached by ClinVar (database versions not stated): gnomAD exomes 0.00001; TOPMed 0.00001; ESP Exome Variant Server 0.00008.
gnomAD v4.1: 3 of 1,575,974 alleles (0.00019%); highest among the groups gnomAD compares: Non-Finnish European, 0.00026%; no homozygotes.

Submissions (3):

Ambry Genetics
Classification: Uncertain significance for Inborn genetic diseases. Last evaluated: 2024-05-08. Review status: criteria provided, single submitter. Criteria: Ambry Variant Classification Scheme 2023. Collection method: clinical testing. Allele origin: germline.

GeneDx
Classification: Uncertain significance. Last evaluated: 2022-08-11. Review status: criteria provided, single submitter. Criteria: GeneDx Variant Classification Process June 2021. Collection method: clinical testing. Allele origin: germline. Affected: yes.
Comment: Not observed at significant frequency in large population cohorts (gnomAD); In silico analysis supports that this missense variant has a deleterious effect on protein structure/function; Has not been previously published as pathogenic or benign to our knowledge

Labcorp Genetics (formerly Invitae), Labcorp
Classification: Uncertain significance. Last evaluated: 2022-04-04. Review status: criteria provided, single submitter. Criteria: Invitae Variant Classification Sherloc (09022015). Collection method: clinical testing. Allele origin: germline.
Comment: Algorithms developed to predict the effect of missense changes on protein structure and function are either unavailable or do not agree on the potential impact of this missense change (SIFT: "Tolerated"; PolyPhen-2: "Possibly Damaging"; Align-GVGD: "Class C0"). In summary, the available evidence is currently insufficient to determine the role of this variant in disease. Therefore, it has been classified as a Variant of Uncertain Significance. This variant has not been reported in the literature in individuals affected with CEP135-related conditions. This sequence change replaces arginine, which is basic and polar, with threonine, which is neutral and polar, at codon 589 of the CEP135 protein (p.Arg589Thr). This variant is present in population databases (rs146424747, gnomAD 0.002%).